The following is an entry in ClinVar:

ClinVar aggregate classification (germline): Uncertain significance. Review status: criteria provided, multiple submitters, no conflicts (2 of 4 stars). 2 submissions from 2 submitters: Uncertain significance (2). Last evaluated 2023-11-22.

Conditions:
Fetal akinesia deformation sequence 1 (FADS1). Also called: Fetal akinesia sequence; Pena-Shokeir syndrome type I. Identifiers: Orphanet 994, MedGen C1276035, MONDO:0100101, OMIM 208150, HP:0001989.
Congenital myasthenic syndrome 9. Also called: Myasthenic syndrome, congenital, 9, associated with acetylcholine receptor deficiency. Identifiers: Orphanet 590, MedGen C4225368, MONDO:0014587, OMIM 616325.

Allele frequency attached by ClinVar (database versions not stated): gnomAD 0.00001 and 0.00004; TOPMed 0.00002; ExAC 0.00014; gnomAD exomes 0.00015; 1000 Genomes Project 30x 0.00031; 1000 Genomes Project 0.00040.
gnomAD v4.1: 134 of 1,511,452 alleles (0.0089%); highest among the groups gnomAD compares: South Asian, 0.13%; no homozygotes.

Submissions (2):

Revvity Omics, Revvity
Classification: Uncertain significance. Last evaluated: 2023-11-22. Review status: criteria provided, single submitter. Criteria: ACMG Guidelines, 2015. Collection method: clinical testing. Allele origin: germline.

Labcorp Genetics (formerly Invitae), Labcorp
Classification: Uncertain significance for Congenital myasthenic syndrome 9; Fetal akinesia deformation sequence 1. Last evaluated: 2022-06-20. Review status: criteria provided, single submitter. Criteria: Invitae Variant Classification Sherloc (09022015). Collection method: clinical testing. Allele origin: germline.
Comment: This sequence change disrupts the translational stop signal of the MUSK mRNA. It is expected to extend the length of the MUSK protein by 2 additional amino acid residues. This variant is present in population databases (rs201134491, gnomAD 0.1%). This variant has not been reported in the literature in individuals affected with MUSK-related conditions. ClinVar contains an entry for this variant (Variation ID: 644038). Experimental studies and prediction algorithms are not available or were not evaluated, and the functional significance of this variant is currently unknown. In summary, the available evidence is currently insufficient to determine the role of this variant in disease. Therefore, it has been classified as a Variant of Uncertain Significance.

NM_005592.4(MUSK):c.2608T>C (p.Ter870Gln)

Gene: MUSK (muscle associated receptor tyrosine kinase; plus strand). Cytogenetic location: 9q31.3.
Variant type: single nucleotide variant.
Coding change: c.2608T>C on transcript NM_005592.4 (MANE Select); coding-DNA position 2608, T replaced by C.
Protein change: p.Ter870Gln.
Molecular consequence: stop lost.
Genome position (GRCh38, 1-based): chr9:110,800,986, T>C. VCF-style: chr9-110800986-T-C. GRCh37 (hg19) VCF-style: chr9-113563266-T-C.
Other names: *870Q; *774Q; *450Q; *784Q; c.2350T>C, p.Ter784Gln (NM_001166280.2); c.2320T>C, p.Ter774Gln (NM_001166281.2); c.1348T>C, p.Ter450Gln (NM_001369398.1).
Identifiers: ClinVar variation 644038 (VCV000644038.8), dbSNP rs201134491, ClinGen allele CA5184656.